The following is an entry in ClinVar:

NM_005097.4(LGI1):c.464C>T (p.Pro155Leu)

Gene: LGI1 (leucine rich glioma inactivated 1; plus strand). Cytogenetic location: 10q23.33.
Variant type: single nucleotide variant.
Coding change: c.464C>T on transcript NM_005097.4 (MANE Select); coding-DNA position 464, C replaced by T.
Protein change: p.Pro155Leu; replaces proline 155 with leucine.
Molecular consequence: missense variant. On other transcripts: non-coding transcript variant (1).
Genome position (GRCh38, 1-based): chr10:93,790,131, C>T. VCF-style: chr10-93790131-C-T. GRCh37 (hg19) VCF-style: chr10-95549888-C-T.
Other names: c.464C>T, p.Pro155Leu (NM_001308275.2); c.320C>T, p.Pro107Leu (NM_001308276.2); short protein forms P155L, P107L.
Identifiers: ClinVar variation 649929 (VCV000649929.10), dbSNP rs1589771117, ClinGen allele CA377622150.

ClinVar aggregate classification (germline): Uncertain significance (1 of 4 stars; one submission).

Conditions:
Autosomal dominant epilepsy with auditory features. Identifiers: Orphanet 101046, MedGen C1838062, MONDO:0010898.

Submission:

Labcorp Genetics (formerly Invitae), Labcorp
Classification: Uncertain significance for Autosomal dominant epilepsy with auditory features. Last evaluated: 2018-10-08. Review status: criteria provided, single submitter. Criteria: Invitae Variant Classification Sherloc (09022015). Collection method: clinical testing. Allele origin: germline.
Comment: This sequence change replaces proline with leucine at codon 155 of the LGI1 protein (p.Pro155Leu). The proline residue is highly conserved and there is a moderate physicochemical difference between proline and leucine. In summary, the available evidence is currently insufficient to determine the role of this variant in disease. Therefore, it has been classified as a Variant of Uncertain Significance. Algorithms developed to predict the effect of missense changes on protein structure and function (SIFT, PolyPhen-2, Align-GVGD) all suggest that this variant is likely to be disruptive, but these predictions have not been confirmed by published functional studies and their clinical significance is uncertain. This variant has not been reported in the literature in individuals with LGI1-related disease. This variant is not present in population databases (ExAC no frequency).